The following is an entry in ClinVar:

ClinVar aggregate classification (germline): Benign/Likely benign. Review status: criteria provided, multiple submitters, no conflicts (2 of 4 stars). 3 submissions from 3 submitters: Benign (1); Likely benign (2). Last evaluated 2024-06-25.

Conditions:
Hereditary cancer-predisposing syndrome. Also called: Neoplastic Syndromes, Hereditary; Hereditary Cancer Syndrome; Tumor predisposition; Hereditary neoplastic syndrome. Identifiers: Orphanet 140162, MedGen C0027672, MeSH D009386, MONDO:0015356.
Oligodontia-cancer predisposition syndrome. Also called: TOOTH AGENESIS-COLORECTAL CANCER SYNDROME. Identifiers: Orphanet 300576, MedGen C1837750, MONDO:0012075, OMIM 608615. Disease mechanism: loss of function.

Allele frequency attached by ClinVar (database versions not stated): gnomAD exomes below 0.00001.
gnomAD v4.1: 1 of 1,602,902 alleles (0.000062%); highest among the groups gnomAD compares: Non-Finnish European, 0.000085%; no homozygotes.

Submissions (3):

Myriad Genetics, Inc.
Classification: Benign for Oligodontia-cancer predisposition syndrome. Last evaluated: 2024-06-25. Review status: criteria provided, single submitter. Criteria: Myriad Autosomal Dominant, Autosomal Recessive and X-Linked Classification Criteria (2023). Collection method: clinical testing. Allele origin: unknown.
Comment: This variant is considered benign. This variant is a silent/synonymous amino acid change and it is not expected to impact splicing.

Labcorp Genetics (formerly Invitae), Labcorp
Classification: Likely benign for Oligodontia-cancer predisposition syndrome. Last evaluated: 2024-02-25. Review status: criteria provided, single submitter. Criteria: Invitae Variant Classification Sherloc (09022015). Collection method: clinical testing. Allele origin: germline.

Ambry Genetics
Classification: Likely benign for Hereditary cancer-predisposing syndrome. Last evaluated: 2022-06-06. Review status: criteria provided, single submitter. Criteria: Ambry Variant Classification Scheme 2023. Collection method: clinical testing. Allele origin: germline.

NM_004655.4(AXIN2):c.213G>A (p.Pro71=)

Gene: AXIN2 (axin 2; minus strand). Cytogenetic location: 17q24.1.
Variant type: single nucleotide variant.
Coding change: c.213G>A on transcript NM_004655.4 (MANE Select); coding-DNA position 213, G replaced by A.
Protein change: p.Pro71=; no amino-acid change (proline 71 retained).
Molecular consequence: synonymous variant.
Genome position (GRCh38, 1-based): chr17:65,558,408, C>T on the plus strand (G>A on the coding strand, the complement: AXIN2 is on the minus strand). VCF-style: chr17-65558408-C-T. GRCh37 (hg19) VCF-style: chr17-63554526-C-T.
Other names: c.213G>A, p.Pro71= (NM_001363813.1).
Identifiers: ClinVar variation 1133717 (VCV001133717.12), dbSNP rs2144589652, ClinGen allele CA501691459.
Genomic context (GRCh38, chr17:65,558,408, plus strand): 5'-ACCGTCTTGATCGCCCAATAAGGAGTGTAAGGACTTGGTCCACCGGGTCAGAGGGGAATC[C>T]GGAGATGCCCGCCCCTCCGGCTCCCCCAACCCATCTTCGTTCCGCCTGGTGTTGGAAGAG-3'
Protein context (NP_004646.3, residues 61-81): GLGEPEGRAS[Pro71=]DSPLTRWTKS